The following is an entry in ClinVar:

ClinVar aggregate classification (germline): Likely pathogenic (1 of 4 stars; one submission).

Submission:

GeneDx
Classification: Likely pathogenic. Last evaluated: 2022-11-11. Review status: criteria provided, single submitter. Criteria: GeneDx Variant Classification Process June 2021. Collection method: clinical testing. Allele origin: germline. Affected: yes.
Comment: Frameshift variant predicted to result in protein truncation, as the last 48 amino acids are replaced with 8 different amino acids, and other loss-of-function variants have been reported downstream; Not observed at significant frequency in large population cohorts (gnomAD); Has not been previously published as pathogenic or benign to our knowledge

NM_001308093.3(GATA4):c.1185_1187delinsTG (p.Ser396fs)

Gene: GATA4 (GATA binding protein 4). Cytogenetic location: 8p23.1.
Variant type: Indel.
Coding change: c.1185_1187delinsTG on transcript NM_001308093.3 (MANE Select); coding-DNA positions 1185 to 1187, the reference bases replaced by TG.
Protein change: p.Ser396fs; shifts the reading frame from serine 396.
Molecular consequence: frameshift variant.
Genome position: GRCh38 VCF-style: chr8-11758328-CTC-TG. GRCh37 (hg19) VCF-style: chr8-11615837-CTC-TG.
Other names: c.564_566delinsTG, p.Ser189fs (NM_001308094.2, NM_001374273.1); c.438_440delinsTG, p.Ser147fs (NM_001374274.1); c.1182_1184delinsTG, p.Ser395fs (NM_002052.5); c.1182_1184delCTCinsTG (NM_002052.3); short protein forms S395fs, S396fs, S147fs, S189fs.
Identifiers: ClinVar variation 817790 (VCV000817790.3), dbSNP rs1585706802, ClinGen allele CA915945610.